The following is an entry in ClinVar:

NM_138295.5(PKD1L1):c.7417T>C (p.Ser2473Pro)

Genes: PKD1L1 (polycystin 1 like 1, transient receptor potential channel interacting; minus strand), PKD1L1-AS1 (PKD1L1 antisense RNA 1; plus strand). Cytogenetic location: 7p12.3.
Variant type: single nucleotide variant.
Coding change: c.7417T>C on transcript NM_138295.5 (MANE Select); coding-DNA position 7417, T replaced by C.
Protein change: p.Ser2473Pro; replaces serine 2473 with proline.
Molecular consequence: missense variant.
Genome position (GRCh38, 1-based): chr7:47,811,981, A>G on the plus strand (T>C on the coding strand, the complement: PKD1L1 is on the minus strand). VCF-style: chr7-47811981-A-G. GRCh37 (hg19) VCF-style: chr7-47851579-A-G.
Other names: short protein forms S2473P.
Identifiers: ClinVar variation 2579412 (VCV002579412.2), dbSNP rs1028674672, ClinGen allele CA367471477.

ClinVar aggregate classification (germline): Uncertain significance (1 of 4 stars; one submission).

Submission:

GeneDx
Classification: Uncertain significance. Last evaluated: 2024-01-31. Review status: criteria provided, single submitter. Criteria: GeneDx Variant Classification Process June 2021. Collection method: clinical testing. Allele origin: germline. Affected: yes.
Comment: Not observed at significant frequency in large population cohorts (gnomAD); In silico analysis supports that this missense variant has a deleterious effect on protein structure/function; Has not been previously published as pathogenic or benign to our knowledge